The following is an entry in ClinVar:

ClinVar aggregate classification (germline): Benign/Likely benign. Review status: criteria provided, multiple submitters, no conflicts (2 of 4 stars). 9 submissions from 9 submitters: Benign (6); Likely benign (1). 2 of the submissions do not count toward it. Last evaluated 2026-02-04.

Conditions:
Neuromuscular disease caused by qualitative or quantitative defects of dysferlin. Also called: Dysferlinopathy; Qualitative or quantitative defects of dysferlin. Identifiers: Orphanet 207073, MedGen C2931687, MONDO:0016145.
Miyoshi muscular dystrophy 1 (MMD1). Identifiers: Orphanet 45448, MedGen C4551973, MONDO:0024545, OMIM 254130.

Allele frequency attached by ClinVar (database versions not stated): gnomAD 0.08061; ESP Exome Variant Server 0.08496; 1000 Genomes Project 0.09285; TOPMed 0.09322; 1000 Genomes Project 30x 0.09838.
gnomAD v4.1: 129,141 of 1,601,178 alleles (8.1%); highest among the groups gnomAD compares: Admixed American, 24%; 6,657 homozygotes.

Submissions (9):

Labcorp Genetics (formerly Invitae), Labcorp
Classification: Benign for Neuromuscular disease caused by qualitative or quantitative defects of dysferlin. Last evaluated: 2026-02-04. Review status: criteria provided, single submitter. Criteria: Invitae Variant Classification Sherloc (09022015). Collection method: clinical testing. Allele origin: germline.

Blueprint Genetics
Classification: Likely benign. Last evaluated: 2024-11-26. Review status: criteria provided, single submitter. Criteria: ACMG Guidelines, 2015. Collection method: clinical testing. Allele origin: germline.

Genome-Nilou Lab
Classification: Benign for Miyoshi muscular dystrophy 1. Last evaluated: 2021-06-10. Review status: criteria provided, single submitter. Criteria: ACMG Guidelines, 2015. Collection method: clinical testing. Allele origin: germline. Affected: no.

GeneDx
Classification: Benign. Last evaluated: 2016-01-28. Review status: criteria provided, single submitter. Criteria: GeneDx Variant Classification (06012015). Collection method: clinical testing. Allele origin: germline. Affected: yes.
Comment: This variant is considered likely benign or benign based on one or more of the following criteria: it is a conservative change, it occurs at a poorly conserved position in the protein, it is predicted to be benign by multiple in silico algorithms, and/or has population frequency not consistent with disease.

Eurofins Ntd Llc (ga)
Classification: Benign. Last evaluated: 2015-04-24. Review status: criteria provided, single submitter. Criteria: EGL Classification Definitions 2015. Collection method: clinical testing. Allele origin: germline. Observed: 30 variant alleles, 29 heterozygotes, 1 homozygote.

Breakthrough Genomics
Classification: Benign. Review status: criteria provided, single submitter. Criteria: ACMG Guidelines, 2015. Collection method: not provided. Allele origin: germline. Inheritance: Autosomal recessive inheritance. Affected: yes.

PreventionGenetics, part of Exact Sciences
Classification: Benign. Review status: criteria provided, single submitter. Criteria: ACMG Guidelines, 2015. Collection method: clinical testing. Allele origin: germline.

Clinical Genetics, Academic Medical Center
Classification: Benign. Review status: no assertion criteria provided. Collection method: clinical testing. Allele origin: germline. Affected: yes. Study: VKGL Data-share Consensus. Not counted in ClinVar's aggregate classification.

Joint Genome Diagnostic Labs from Nijmegen and Maastricht, Radboudumc and MUMC+
Classification: Benign. Review status: no assertion criteria provided. Collection method: clinical testing. Allele origin: germline. Affected: yes. Study: VKGL Data-share Consensus. Not counted in ClinVar's aggregate classification.

NM_001130987.2(DYSF):c.239+20G>A

Gene: DYSF (dysferlin; plus strand). Cytogenetic location: 2p13.2.
Variant type: single nucleotide variant.
Coding change: c.239+20G>A on transcript NM_001130987.2 (MANE Select); 20 bases into the intron after coding-DNA position 239, G replaced by A.
Molecular consequence: intron variant.
Genome position (GRCh38, 1-based): chr2:71,481,990, G>A. VCF-style: chr2-71481990-G-A. GRCh37 (hg19) VCF-style: chr2-71709120-G-A.
Other names: c.236+20G>A (NM_001130979.2, NM_001130981.2, NM_001130980.2 and 4 more transcripts); c.239+20G>A (NM_001130982.2, NM_001130985.2, NM_001130983.2 and 3 more transcripts).
Identifiers: ClinVar variation 94288 (VCV000094288.21), dbSNP rs12470028, ClinGen allele CA147733.